The following is an entry in ClinVar:

NM_000550.3(TYRP1):c.401T>C (p.Leu134Pro)

Gene: TYRP1 (tyrosinase related protein 1; plus strand). Cytogenetic location: 9p23.
Variant type: single nucleotide variant.
Coding change: c.401T>C on transcript NM_000550.3 (MANE Select); coding-DNA position 401, T replaced by C.
Protein change: p.Leu134Pro; replaces leucine 134 with proline.
Molecular consequence: missense variant.
Genome position (GRCh38, 1-based): chr9:12,695,530, T>C. VCF-style: chr9-12695530-T-C. GRCh37 (hg19) VCF-style: chr9-12695530-T-C.
Other names: short protein forms L134P.
Identifiers: ClinVar variation 2096039 (VCV002096039.1), dbSNP rs770600269, ClinGen allele CA4985219.

ClinVar aggregate classification (germline): Uncertain significance (1 of 4 stars; one submission).

Allele frequency attached by ClinVar (database versions not stated): gnomAD exomes below 0.00001; ExAC 0.00001; gnomAD 0.00001; TOPMed 0.00001.

Submission:

Labcorp Genetics (formerly Invitae), Labcorp
Classification: Uncertain significance. Last evaluated: 2022-08-23. Review status: criteria provided, single submitter. Criteria: Invitae Variant Classification Sherloc (09022015). Collection method: clinical testing. Allele origin: germline.
Comment: This sequence change replaces leucine, which is neutral and non-polar, with proline, which is neutral and non-polar, at codon 134 of the TYRP1 protein (p.Leu134Pro). This variant is present in population databases (rs770600269, gnomAD 0.006%). This variant has not been reported in the literature in individuals affected with TYRP1-related conditions. Algorithms developed to predict the effect of missense changes on protein structure and function are either unavailable or do not agree on the potential impact of this missense change (SIFT: "Deleterious"; PolyPhen-2: "Probably Damaging"; Align-GVGD: "Class C0"). In summary, the available evidence is currently insufficient to determine the role of this variant in disease. Therefore, it has been classified as a Variant of Uncertain Significance.